The following is an entry in ClinVar:

ClinVar aggregate classification (germline): Uncertain significance. Review status: criteria provided, single submitter (1 of 4 stars). 2 submissions from 2 submitters: Uncertain significance (1). 1 of the submissions does not count toward it. Last evaluated 2023-04-08.

Conditions:
Dystonia 12 (DYT12). Also called: DYT-ATP1A3; Rapid-Onset Dystonia-Parkinsonism (RDP). Identifiers: Orphanet 71517, MedGen C1868681, MONDO:0007496, OMIM 128235.
ATP1A3-related disorder. Also called: ATP1A3-related disorders; ATP1A3-related condition. Identifiers: MedGen CN381097.

Allele frequency attached by ClinVar (database versions not stated): gnomAD exomes below 0.00001.
gnomAD v4.1: 1 of 1,614,182 alleles (0.000062%); highest among the groups gnomAD compares: Non-Finnish European, 0.000085%; no homozygotes.

Submissions (2):

Labcorp Genetics (formerly Invitae), Labcorp
Classification: Uncertain significance for Dystonia 12. Last evaluated: 2023-04-08. Review status: criteria provided, single submitter. Criteria: Invitae Variant Classification Sherloc (09022015). Collection method: clinical testing. Allele origin: germline.
Comment: ClinVar contains an entry for this variant (Variation ID: 1985750). This variant has not been reported in the literature in individuals affected with ATP1A3-related conditions. This variant is not present in population databases (gnomAD no frequency). This sequence change replaces lysine, which is basic and polar, with glutamic acid, which is acidic and polar, at codon 403 of the ATP1A3 protein (p.Lys403Glu). Advanced modeling of protein sequence and biophysical properties (such as structural, functional, and spatial information, amino acid conservation, physicochemical variation, residue mobility, and thermodynamic stability) has been performed at Invitae for this missense variant, however the output from this modeling did not meet the statistical confidence thresholds required to predict the impact of this variant on ATP1A3 protein function. In summary, the available evidence is currently insufficient to determine the role of this variant in disease. Therefore, it has been classified as a Variant of Uncertain Significance.

PreventionGenetics, part of Exact Sciences
Classification: Uncertain significance for ATP1A3-related condition. Last evaluated: 2024-05-28. Review status: no assertion criteria provided. Collection method: clinical testing. Allele origin: germline. Not counted in ClinVar's aggregate classification.
Comment: The ATP1A3 c.1246A>G variant is predicted to result in the amino acid substitution p.Lys416Glu. To our knowledge, this variant has not been reported in the literature or in a large population database, indicating this variant is rare. At this time, the clinical significance of this variant is uncertain due to the absence of conclusive functional and genetic evidence.

NM_152296.5(ATP1A3):c.1207A>G (p.Lys403Glu)

Gene: ATP1A3 (ATPase Na+/K+ transporting subunit alpha 3; minus strand). Cytogenetic location: 19q13.2.
Variant type: single nucleotide variant.
Coding change: c.1207A>G on transcript NM_152296.5 (MANE Select); coding-DNA position 1207, A replaced by G.
Protein change: p.Lys403Glu; replaces lysine 403 with glutamic acid.
Molecular consequence: missense variant.
Genome position (GRCh38, 1-based): chr19:41,981,817, T>C on the plus strand (A>G on the coding strand, the complement: ATP1A3 is on the minus strand). VCF-style: chr19-41981817-T-C. GRCh37 (hg19) VCF-style: chr19-42485969-T-C.
Other names: c.1246A>G (NM_001256214.1); c.1240A>G, p.Lys414Glu (NM_001256213.2); c.1246A>G, p.Lys416Glu (NM_001256214.2); short protein forms K414E, K416E, K403E.
Identifiers: ClinVar variation 1985750 (VCV001985750.5), dbSNP rs2514065878, ClinGen allele CA406050561.